The following is an entry in ClinVar:

NC_000007.14:g.(?_92240973)_(92242155_?)del

Gene: KRIT1 (KRIT1 ankyrin repeat containing; minus strand). Cytogenetic location: 7q21.2.
Variant type: Deletion.
Identifiers: ClinVar variation 468203 (VCV000468203.7).

ClinVar aggregate classification (germline): Pathogenic (1 of 4 stars; one submission).

Conditions:
Cerebral cavernous malformation (CCM). Also called: CAVERNOUS ANGIOMA, FAMILIAL; CAVERNOUS ANGIOMATOUS MALFORMATIONS; CEREBRAL CAPILLARY MALFORMATIONS; Cerebral cavernous malformations; Cavernous Hemangioma of Brain; Cerebral cavernous hemangioma (type). Identifiers: Orphanet 221061, MedGen C2919945, MONDO:0000820, OMIM 116860, HP:0033522.

Submission:

Labcorp Genetics (formerly Invitae), Labcorp
Classification: Pathogenic for Cerebral cavernous malformation. Last evaluated: 2019-01-13. Review status: criteria provided, single submitter. Criteria: Invitae Variant Classification Sherloc (09022015). Collection method: clinical testing. Allele origin: germline.
Comment: For these reasons, this variant has been classified as Pathogenic. Loss-of-function variants in KRIT1 are known to be pathogenic (PMID: 10508515, 11222804, 12404106, 24689081). This variant has not been reported in the literature in individuals with KRIT1-related conditions. This variant is a gross deletion of the genomic region encompassing exons 5-6 of the KRIT1 gene, which includes the initiator codon. The 5' end of this event is unknown as it extends beyond the assayed region for this gene and therefore may encompass additional genes. The 3' boundary is likely confined to intron 6 of the KRIT1 gene. This is expected to result in an absent or disrupted protein product.

Literature cited by the submitters: PubMed 10508515; PubMed 11222804; PubMed 12404106; PubMed 24689081.